The following is an entry in ClinVar:

ClinVar aggregate classification (germline): Pathogenic. Review status: criteria provided, single submitter (1 of 4 stars). 2 submissions from 2 submitters: Pathogenic (1). 1 of the submissions does not count toward it. Last evaluated 2025-01-06.

Conditions:
Autosomal recessive nonsyndromic hearing loss 31. Also called: WHIRLER, MOUSE, HOMOLOG OF. Identifiers: Orphanet 90636, MedGen C1846839, MONDO:0011767, OMIM 607084.

Allele frequency attached by ClinVar (database versions not stated): ExAC below 0.00001.
gnomAD v4.1: 2 of 1,480,156 alleles (0.00014%); highest among the groups gnomAD compares: South Asian, 0.0013%; no homozygotes.

Submissions (2):

Labcorp Genetics (formerly Invitae), Labcorp
Classification: Pathogenic. Last evaluated: 2025-01-06. Review status: criteria provided, single submitter. Criteria: Invitae Variant Classification Sherloc (09022015). Collection method: clinical testing. Allele origin: germline.
Comment: This sequence change creates a premature translational stop signal (p.Ser9*) in the WHRN gene. It is expected to result in an absent or disrupted protein product. Loss-of-function variants in WHRN are known to be pathogenic (PMID: 12833159, 15841483, 22147658). This variant is not present in population databases (gnomAD no frequency). This premature translational stop signal has been observed in individual(s) with deafness (PMID: 31541171). ClinVar contains an entry for this variant (Variation ID: 627492). For these reasons, this variant has been classified as Pathogenic.

Genetic Testing Center for Deafness, Department of Otolaryngology Head & Neck Surgery, Institute of Otolaryngology, Chinese PLA General Hospital
Classification: Pathogenic for Autosomal recessive nonsyndromic hearing loss 31. Last evaluated: 2019-02-26. Review status: no assertion criteria provided. Collection method: case-control. Allele origin: inherited. Affected: yes. Observed: 1 variant allele. Not counted in ClinVar's aggregate classification.

Literature cited by the submitters: PubMed 12833159 (cited by Labcorp Genetics (formerly Invitae), Labcorp); PubMed 15841483 (cited by Labcorp Genetics (formerly Invitae), Labcorp); PubMed 22147658 (cited by Labcorp Genetics (formerly Invitae), Labcorp); PubMed 31541171 (cited by Labcorp Genetics (formerly Invitae), Labcorp).

NM_015404.4(WHRN):c.26C>A (p.Ser9Ter)

Gene: WHRN (whirlin; minus strand). Cytogenetic location: 9q32.
Variant type: single nucleotide variant.
Coding change: c.26C>A on transcript NM_015404.4 (MANE Select); coding-DNA position 26, C replaced by A.
Protein change: p.Ser9Ter; replaces serine 9 with a stop codon.
Molecular consequence: nonsense.
Genome position (GRCh38, 1-based): chr9:114,504,776, G>T on the plus strand (C>A on the coding strand, the complement: WHRN is on the minus strand). VCF-style: chr9-114504776-G-T. GRCh37 (hg19) VCF-style: chr9-117267056-G-T.
Other names: c.26C>A, p.Ser9Ter (NM_001173425.2); short protein forms S9*.
Identifiers: ClinVar variation 627492 (VCV000627492.6), dbSNP rs776268964, ClinGen allele CA5206371.